The following is an entry in ClinVar:

NM_001354712.2(THRB):c.1304A>T (p.His435Leu)

Gene: THRB (thyroid hormone receptor beta; minus strand). Cytogenetic location: 3p24.2.
Variant type: single nucleotide variant.
Coding change: c.1304A>T on transcript NM_001354712.2 (MANE Select); coding-DNA position 1304, A replaced by T.
Protein change: p.His435Leu; replaces histidine 435 with leucine.
Molecular consequence: missense variant.
Genome position (GRCh38, 1-based): chr3:24,122,966, T>A on the plus strand (A>T on the coding strand, the complement: THRB is on the minus strand). VCF-style: chr3-24122966-T-A. GRCh37 (hg19) VCF-style: chr3-24164457-T-A.
Other names: c.1211A>T, p.His404Leu (NM_001354714.2, NM_001354715.2); c.1304A>T, p.His435Leu (NM_001374822.1, NM_001374823.1, NM_001374824.1 and 11 more transcripts); c.1133A>T, p.His378Leu (NM_001374827.1); short protein forms H378L, H404L, H435L.
Identifiers: ClinVar variation 4853829 (VCV004853829.1).

ClinVar aggregate classification (germline): Pathogenic (1 of 4 stars; one submission).

Conditions:
Thyroid hormone resistance, generalized, autosomal dominant (GRTHD). Also called: HYPERTHYROXINEMIA, FAMILIAL EUTHYROID, SECONDARY TO PITUITARY AND PERIPHERAL RESISTANCE TO THYROID HORMONES. Identifiers: MedGen C2937288, MONDO:0008569, OMIM 188570.
Selective pituitary resistance to thyroid hormone. Also called: HYPERTHYROIDISM, FAMILIAL, DUE TO INAPPROPRIATE THYROTROPIN SECRETION. Identifiers: MedGen C1840364, MONDO:0007784, OMIM 145650.

Submission:

Institute of Human Genetics, Heidelberg University
Classification: Pathogenic for Selective pituitary resistance to thyroid hormone; Thyroid hormone resistance, generalized, autosomal dominant. Last evaluated: 2026-05-13. Review status: criteria provided, single submitter. Criteria: ACMG Guidelines, 2015. Collection method: clinical testing. Allele origin: unknown. Affected: yes. Observed: 1 variant allele.
Comment: PM2_supp, PP3_strong, PP2_supp, PS4_mod, PM5_mod, PP4_strong